The following is an entry in ClinVar:

ClinVar aggregate classification (germline): Uncertain significance (1 of 4 stars; one submission).

Conditions:
Familial adenomatous polyposis 1 (FAP1). Also called: FAMILIAL ADENOMATOUS POLYPOSIS 1, ATTENUATED; POLYPOSIS, ADENOMATOUS INTESTINAL. Identifiers: MedGen C2713442, MONDO:0021056, OMIM 175100. Disease mechanism: loss of function.

Submission:

Labcorp Genetics (formerly Invitae), Labcorp
Classification: Uncertain significance for Familial adenomatous polyposis 1. Last evaluated: 2024-08-22. Review status: criteria provided, single submitter. Criteria: Invitae Variant Classification Sherloc (09022015). Collection method: clinical testing. Allele origin: germline.
Comment: This variant occurs in a non-coding region of the APC gene. It does not change the encoded amino acid sequence of the APC protein. This variant is not present in population databases (gnomAD no frequency). This variant has not been reported in the literature in individuals affected with APC-related conditions. Experimental studies and prediction algorithms are not available or were not evaluated, and the functional significance of this variant is currently unknown. In summary, the available evidence is currently insufficient to determine the role of this variant in disease. Therefore, it has been classified as a Variant of Uncertain Significance.

NM_001127511.3(APC):c.141T>A (p.Ser47=)

Gene: APC (APC regulator of Wnt signaling pathway; plus strand). Cytogenetic location: 5q22.2.
Variant type: single nucleotide variant.
Coding change: c.141T>A on transcript NM_001127511.3; coding-DNA position 141, T replaced by A.
Protein change: p.Ser47=; no amino-acid change (serine 47 retained).
Molecular consequence: synonymous variant. On other transcripts: 5 prime UTR variant (8), non-coding transcript variant (1), intron variant (5).
Genome position (GRCh38, 1-based): chr5:112,707,858, T>A. VCF-style: chr5-112707858-T-A. GRCh37 (hg19) VCF-style: chr5-112043555-T-A.
Other names: c.-43T>A (NM_001354895.2, NM_001407447.1, NM_001407452.1 and 3 more transcripts); c.141T>A, p.Ser47= (NM_001354897.2, NM_001354902.2, NM_001407446.1); c.-1078T>A (NM_001407470.1, NM_001407472.1); c.-19+209T>A (NM_001407448.1, NM_001407450.1, NM_001407457.1 and 1 more transcripts); c.-43+209T>A (NM_001407453.1).
Identifiers: ClinVar variation 1520757 (VCV001520757.6), dbSNP rs753577385, ClinGen allele CA2573138804.
Genomic context (GRCh38, chr5:112,707,858, plus strand): 5'-CGGCGGCAGCAGGAGCTGCGTCCGGCAGGAGACGAAGAGCCCGGGCGGCGCTCGTACTTC[T>A]GGCCACTGGGCGAGCGTCTGGCAGGTGAGTGAGGCTGCAGGCATTGACGTCTCCTCCCGG-3'